The following is an entry in ClinVar:

ClinVar aggregate classification (germline): Uncertain significance. Review status: criteria provided, multiple submitters, no conflicts (2 of 4 stars). 2 submissions from 2 submitters: Uncertain significance (2). Last evaluated 2024-04-22.

Conditions:
Hereditary cancer-predisposing syndrome. Also called: Neoplastic Syndromes, Hereditary; Tumor predisposition; Hereditary Cancer Syndrome; Hereditary neoplastic syndrome. Identifiers: Orphanet 140162, MedGen C0027672, MeSH D009386, MONDO:0015356.
Oligodontia-cancer predisposition syndrome. Also called: TOOTH AGENESIS-COLORECTAL CANCER SYNDROME. Identifiers: Orphanet 300576, MedGen C1837750, MONDO:0012075, OMIM 608615. Disease mechanism: loss of function.

Allele frequency attached by ClinVar (database versions not stated): gnomAD exomes below 0.00001; TOPMed below 0.00001; gnomAD 0.00001.
gnomAD v4.1: 2 of 1,613,922 alleles (0.00012%); highest among the groups gnomAD compares: Non-Finnish European, 0.00017%; no homozygotes.

Submissions (2):

Ambry Genetics
Classification: Uncertain significance for Hereditary cancer-predisposing syndrome. Last evaluated: 2024-04-22. Review status: criteria provided, single submitter. Criteria: Ambry Variant Classification Scheme 2023. Collection method: clinical testing. Allele origin: germline.
Comment: The p.T192I variant (also known as c.575C>T), located in coding exon 1 of the AXIN2 gene, results from a C to T substitution at nucleotide position 575. The threonine at codon 192 is replaced by isoleucine, an amino acid with similar properties. This amino acid position is well conserved in available vertebrate species. In addition, the in silico prediction for this alteration is inconclusive. Based on the available evidence, the clinical significance of this variant remains unclear.

Labcorp Genetics (formerly Invitae), Labcorp
Classification: Uncertain significance for Oligodontia-cancer predisposition syndrome. Last evaluated: 2022-09-25. Review status: criteria provided, single submitter. Criteria: Invitae Variant Classification Sherloc (09022015). Collection method: clinical testing. Allele origin: germline.
Comment: This variant is not present in population databases (gnomAD no frequency). This sequence change replaces threonine, which is neutral and polar, with isoleucine, which is neutral and non-polar, at codon 192 of the AXIN2 protein (p.Thr192Ile). Advanced modeling of protein sequence and biophysical properties (such as structural, functional, and spatial information, amino acid conservation, physicochemical variation, residue mobility, and thermodynamic stability) has been performed at Invitae for this missense variant, however the output from this modeling did not meet the statistical confidence thresholds required to predict the impact of this variant on AXIN2 protein function. In summary, the available evidence is currently insufficient to determine the role of this variant in disease. Therefore, it has been classified as a Variant of Uncertain Significance. ClinVar contains an entry for this variant (Variation ID: 1001353). This variant has not been reported in the literature in individuals affected with AXIN2-related conditions.

NM_004655.4(AXIN2):c.575C>T (p.Thr192Ile)

Gene: AXIN2 (axin 2; minus strand). Cytogenetic location: 17q24.1.
Variant type: single nucleotide variant.
Coding change: c.575C>T on transcript NM_004655.4 (MANE Select); coding-DNA position 575, C replaced by T.
Protein change: p.Thr192Ile; replaces threonine 192 with isoleucine.
Molecular consequence: missense variant.
Genome position (GRCh38, 1-based): chr17:65,558,046, G>A on the plus strand (C>T on the coding strand, the complement: AXIN2 is on the minus strand). VCF-style: chr17-65558046-G-A. GRCh37 (hg19) VCF-style: chr17-63554164-G-A.
Other names: c.575C>T, p.Thr192Ile (NM_001363813.1); short protein forms T192I.
Identifiers: ClinVar variation 1001353 (VCV001001353.11), dbSNP rs1413763058, ClinGen allele CA400680827.